The following is an entry in ClinVar:

NM_001042492.3(NF1):c.3350G>A (p.Cys1117Tyr)

Gene: NF1 (neurofibromin 1; plus strand). Cytogenetic location: 17q11.2.
Variant type: single nucleotide variant.
Coding change: c.3350G>A on transcript NM_001042492.3 (MANE Select); coding-DNA position 3350, G replaced by A.
Protein change: p.Cys1117Tyr; replaces cysteine 1117 with tyrosine.
Molecular consequence: missense variant.
Genome position (GRCh38, 1-based): chr17:31,232,735, G>A. VCF-style: chr17-31232735-G-A. GRCh37 (hg19) VCF-style: chr17-29559753-G-A.
Other names: c.3350G>A, p.Cys1117Tyr (NM_000267.4); short protein forms C1117Y.
Identifiers: ClinVar variation 233966 (VCV000233966.3), dbSNP rs876660762, ClinGen allele CA10580281.
Genomic context (GRCh38, chr17:31,232,735, plus strand): 5'-AAAGGTCAGTCTTTTTATTTCTCAGATACTTCACATTATTTATGAACCTTTTGAATGACT[G>A]CAGTGAAGTTGAAGATGAAAGTGCGCAAACAGGTGGCAGGAAACGTGGCATGTCTCGGAG-3'
Protein context (NP_001035957.1, residues 1107-1127): FTLFMNLLND[Cys1117Tyr]SEVEDESAQT

ClinVar aggregate classification (germline): Uncertain significance (1 of 4 stars; one submission).

Conditions:
Hereditary cancer-predisposing syndrome. Also called: Neoplastic Syndromes, Hereditary; Tumor predisposition; Hereditary Cancer Syndrome; Hereditary neoplastic syndrome. Identifiers: Orphanet 140162, MedGen C0027672, MeSH D009386, MONDO:0015356.

Submission:

Ambry Genetics
Classification: Uncertain significance for Hereditary cancer-predisposing syndrome. Last evaluated: 2015-09-21. Review status: criteria provided, single submitter. Criteria: Ambry Autosomal Dominant and X-Linked criteria (10/2015). Collection method: clinical testing. Allele origin: germline. Observed: 1 variant allele.
Comment: The p.C1117Y variant (also known as c.3350G>A), located in coding exon 26 of the NF1 gene, results from a G to A substitution at nucleotide position 3350. The cysteine at codon 1117 is replaced by tyrosine, an amino acid with highly dissimilar properties. This variant was not reported in population based cohorts in the following databases: Database of Single Nucleotide Polymorphisms (dbSNP), NHLBI Exome Sequencing Project (ESP), and 1000 Genomes Project. In the ESP, this variant was not observed in 6503 samples (13006 alleles) with coverage at this position.To date, this alteration has been detected with an allele frequency of approximately 0.002% (greater than 55000alleles tested) in our clinical cohort.This amino acid position is highly conserved in available vertebrate species. In addition, the in silico prediction for this alteration is inconclusive.Since supporting evidence is limited at this time, the clinical significance of p.C1117Yremains unclear.